The following is an entry in ClinVar:

ClinVar aggregate classification (germline): Uncertain significance. Review status: criteria provided, multiple submitters, no conflicts (2 of 4 stars). 6 submissions from 6 submitters: Uncertain significance (5). 1 of the submissions does not count toward it. Last evaluated 2023-11-27.

Conditions:
Neuronal ceroid lipofuscinosis. Also called: Neuronal Ceroid Lipofuscinoses. Identifiers: Orphanet 216, Orphanet 79263, MedGen C0027877, MONDO:0016295. Disease mechanism: loss of function.
Neuronal ceroid lipofuscinosis 5 (CLN5). Also called: Neuronal ceroid lipofuscinosis Finnish variant; NEURONAL CEROID LIPOFUSCINOSIS, LATE INFANTILE, FINNISH VARIANT; CEROID LIPOFUSCINOSIS, NEURONAL, 5, VARIABLE AGE AT ONSET; CLN5-Related Neuronal Ceroid-Lipofuscinosis. Identifiers: Orphanet 168491, Orphanet 228360, MedGen C1850442, MONDO:0009745, OMIM 256731.

Allele frequency attached by ClinVar (database versions not stated): gnomAD exomes below 0.00001.

Submissions (6):

Labcorp Genetics (formerly Invitae), Labcorp
Classification: Uncertain significance for Neuronal ceroid lipofuscinosis. Last evaluated: 2023-11-27. Review status: criteria provided, single submitter. Criteria: Invitae Variant Classification Sherloc (09022015). Collection method: clinical testing. Allele origin: germline.
Comment: This sequence change replaces methionine, which is neutral and non-polar, with arginine, which is basic and polar, at codon 182 of the CLN5 protein (p.Met182Arg). This variant is present in population databases (no rsID available, gnomAD 0.003%). This missense change has been observed in individual(s) with neuronal ceroid lipofuscinosis (PMID: 31741823). ClinVar contains an entry for this variant (Variation ID: 634488). Advanced modeling of protein sequence and biophysical properties (such as structural, functional, and spatial information, amino acid conservation, physicochemical variation, residue mobility, and thermodynamic stability) performed at Invitae indicates that this missense variant is expected to disrupt CLN5 protein function with a positive predictive value of 95%. In summary, the available evidence is currently insufficient to determine the role of this variant in disease. Therefore, it has been classified as a Variant of Uncertain Significance.

Foundation for Research in Genetics and Endocrinology, FRIGE's Institute of Human Genetics
Classification: Uncertain significance for Neuronal ceroid lipofuscinosis 5. Last evaluated: 2023-03-21. Review status: criteria provided, single submitter. Criteria: ACMG Guidelines, 2015. Collection method: clinical testing. Allele origin: germline. Inheritance: Autosomal recessive inheritance. Affected: yes. Observed: 1 heterozygote.
Comment: A heterozygous missense variant in exon 3 of the CLN5 gene that results in the amino acid substitution of Arginine for Methionine at codon 133 (p.Met133Arg) was detected. The p.Met133Arg variant has not been reported in the 1000 genomes, gnomAD (v3.1), gnomdAD (v2) and topmed databases. The in silico predictions of the variant are possibly damaging by PolyPhen-2 (HumDiv) and damaging by SIFT and LRT. The reference codon is conserved across species. In summary, the variant meets our criteria to be classified as variant of uncertain significance.

Genome-Nilou Lab
Classification: Uncertain significance for Neuronal ceroid lipofuscinosis 5. Last evaluated: 2021-09-05. Review status: criteria provided, single submitter. Criteria: ACMG Guidelines, 2015. Collection method: clinical testing. Allele origin: germline. Affected: no.

Genomic Research Center, Shahid Beheshti University of Medical Sciences
Classification: Uncertain significance for Ceroid lipofuscinosis neuronal 5. Last evaluated: 2019-01-01. Review status: criteria provided, single submitter. Criteria: ACMG Guidelines, 2015. Collection method: clinical testing. Allele origin: inherited. Affected: yes. Observed: 1 variant allele.

Neuberg Centre For Genomic Medicine, NCGM
Classification: Uncertain significance for Neuronal ceroid lipofuscinosis 5. Review status: criteria provided, single submitter. Criteria: ACMG Guidelines, 2015. Collection method: clinical testing. Allele origin: germline. Inheritance: Autosomal recessive inheritance. Affected: yes.
Comment: The missense variant c.398T>G (p.Met133Arg) in CLN5 gene has not been reported previously as a pathogenic variant nor as a benign variant, to our knowledge. The p.Met133Arg variant is novel (not in any individuals) in 1000 Genomes. This variant has been reported to the ClinVar database as Uncertain Significance. The amino acid Met at position 133 is changed to a Arg changing protein sequence and it might alter its composition and physico-chemical properties. The variant is predicted to be damaging by both SIFT and PolyPhen2. The residue is conserved across species. The amino acid change p.Met133Arg in CLN5 is predicted as conserved by GERP++ and PhyloP across 100 vertebrates. For these reasons, this variant has been classified as Uncertain Significance

Natera, Inc.
Classification: Uncertain significance for Neuronal ceroid lipofuscinosis. Last evaluated: 2021-09-02. Review status: no assertion criteria provided. Collection method: clinical testing. Allele origin: germline. Not counted in ClinVar's aggregate classification.

Literature cited by the submitters: PubMed 31741823 (cited by Labcorp Genetics (formerly Invitae), Labcorp).

NM_006493.4(CLN5):c.398T>G (p.Met133Arg)

Gene: CLN5 (CLN5 lysosomal BMP synthase; plus strand). Cytogenetic location: 13q22.3.
Variant type: single nucleotide variant.
Coding change: c.398T>G on transcript NM_006493.4 (MANE Select); coding-DNA position 398, T replaced by G.
Protein change: p.Met133Arg; replaces methionine 133 with arginine.
Molecular consequence: missense variant.
Genome position (GRCh38, 1-based): chr13:76,995,960, T>G. VCF-style: chr13-76995960-T-G. GRCh37 (hg19) VCF-style: chr13-77570095-T-G.
Other names: p.Met133Arg; c.545T>G (LRG_692t1); c.398T>G, p.Met133Arg (NM_001366624.2); short protein forms M133R.
Identifiers: ClinVar variation 634488 (VCV000634488.20), dbSNP rs1419308949, ClinGen allele CA388308817.